The following is an entry in ClinVar:

NM_000363.5(TNNI3):c.363C>T (p.Asn121=)

Gene: TNNI3 (troponin I3, cardiac type; minus strand). Cytogenetic location: 19q13.42.
Variant type: single nucleotide variant.
Coding change: c.363C>T on transcript NM_000363.5 (MANE Select); coding-DNA position 363, C replaced by T.
Protein change: p.Asn121=; no amino-acid change (asparagine 121 retained).
Molecular consequence: synonymous variant.
Genome position (GRCh38, 1-based): chr19:55,154,750, G>A on the plus strand (C>T on the coding strand, the complement: TNNI3 is on the minus strand). VCF-style: chr19-55154750-G-A. GRCh37 (hg19) VCF-style: chr19-55666118-G-A.
Other names: c.363C>T (LRG_432t1).
Identifiers: ClinVar variation 513975 (VCV000513975.16), dbSNP rs371490136, ClinGen allele CA051341.

ClinVar aggregate classification (germline): Likely benign. Review status: criteria provided, multiple submitters, no conflicts (2 of 4 stars). 6 submissions from 6 submitters: Likely benign (6). Last evaluated 2026-04-14.

Conditions:
TNNI3-related disorder. Also called: TNNI3-related condition; TNNI3-related disorders.
Hypertrophic cardiomyopathy. Also called: HYPERTROPHIC MYOCARDIOPATHY. Identifiers: Orphanet 217569, MedGen C0007194, MeSH D002312, MONDO:0005045, HP:0001639.
Cardiomyopathy (CMYO). Also called: Cardiomyopathies. Identifiers: Orphanet 167848, MedGen C0878544, MONDO:0004994, HP:0001638. Inheritance: Various modes of inheritance.
Cardiovascular phenotype. Identifiers: MedGen CN230736.

Allele frequency attached by ClinVar (database versions not stated): gnomAD exomes below 0.00001 and 0.00002; ExAC 0.00004; TOPMed 0.00005; gnomAD 0.00006; ESP Exome Variant Server 0.00008.
gnomAD v4.1: 16 of 1,614,042 alleles (0.00099%); highest among the groups gnomAD compares: African/African-American, 0.019%; no homozygotes.

Submissions (6):

PreventionGenetics, part of Exact Sciences
Classification: Likely benign for TNNI3-related condition. Last evaluated: 2026-04-14. Review status: criteria provided, single submitter. Criteria: ACMG Guidelines, 2015. Collection method: clinical testing. Allele origin: germline.
Comment: This variant is classified as likely benign based on ACMG/AMP sequence variant interpretation guidelines (Richards et al. 2015 PMID: 25741868, with internal and published modifications).

Labcorp Genetics (formerly Invitae), Labcorp
Classification: Likely benign for Hypertrophic cardiomyopathy. Last evaluated: 2025-09-22. Review status: criteria provided, single submitter. Criteria: Invitae Variant Classification Sherloc (09022015). Collection method: clinical testing. Allele origin: germline.

Molecular Diagnostic Laboratory for Inherited Cardiovascular Disease, Montreal Heart Institute
Classification: Likely benign. Last evaluated: 2025-04-09. Review status: criteria provided, single submitter. Criteria: ACMG Guidelines, 2015. Collection method: clinical testing. Allele origin: germline. Affected: no.

Color Diagnostics, LLC DBA Color Health
Classification: Likely benign for Cardiomyopathy. Last evaluated: 2022-11-06. Review status: criteria provided, single submitter. Criteria: ACMG Guidelines, 2015. Collection method: clinical testing. Allele origin: germline.

GeneDx
Classification: Likely benign. Last evaluated: 2019-09-27. Review status: criteria provided, single submitter. Criteria: GeneDx Variant Classification Process June 2021. Collection method: clinical testing. Allele origin: germline. Affected: yes.

Ambry Genetics
Classification: Likely benign for Cardiovascular phenotype. Last evaluated: 2018-11-26. Review status: criteria provided, single submitter. Criteria: Ambry Variant Classification Scheme 2023. Collection method: clinical testing. Allele origin: germline.